The following is an entry in ClinVar:

ClinVar aggregate classification (germline): no classifications from unflagged records (0 of 4 stars; one submission).

Submission:

ISCA site 4
Classification: Benign/Likely benign. Last evaluated: 2012-09-21. Review status: flagged submission. Collection method: clinical testing. Allele origin: unknown. Affected: yes. Observed: 2 variant alleles.
Comment: Likely benign (1), Benign (1)

Copy number variation identified through the course of routine clinical cytogenomic testing in postnatal populations, with clinical assertions as classified by the original submitter.
ClinVar note: Notes: This submission was flagged because its interpretation of this variant conflicts with the ClinGen Gene Dosage Map curation for the gene STS.
ClinVar note: Reason: Conflict with ClinGen Gene Dosage Map

GRCh38/hg38 Xp22.31(chrX:6570421-8129470)x1

Genes: MIR4767 (microRNA 4767; plus strand), MIR651 (microRNA 651; plus strand), PNPLA4 (patatin like domain 4, phospholipase and triacylglycerol lipase; minus strand), VCX (variable charge X-linked; plus strand), PUDP (pseudouridine 5'-phosphatase; minus strand) and 21 more. Cytogenetic location: Xp22.31.
Variant type: copy number loss.
Change: copy number 1 of chrX:6,570,421-8,129,470 (1.56 Mb, GRCh38 coordinates, 1-based), cytogenetic band Xp22.31.
Identifiers: ClinVar variation 146850 (VCV000146850.2).